The following is an entry in ClinVar:

ClinVar aggregate classification (germline): Conflicting classifications of pathogenicity. Review status: criteria provided, conflicting classifications (1 of 4 stars). 3 submissions from 3 submitters: Uncertain significance (1); Benign (2). Last evaluated 2026-02-01.

Conditions:
Retinitis pigmentosa (RP). Identifiers: Orphanet 791, MedGen C0035334, MeSH D012174, MONDO:0019200, OMIM 268000. Inheritance: Autosomal dominant, autosomal recessive and X linked inheritance.

Allele frequency attached by ClinVar (database versions not stated): gnomAD exomes 0.00051 and 0.00191; gnomAD 0.00067 and 0.00088; ExAC 0.00071; TOPMed 0.00177; 1000 Genomes Project 30x 0.00328; 1000 Genomes Project 0.00339.
gnomAD v4.1: 835 of 1,545,548 alleles (0.054%); highest among the groups gnomAD compares: East Asian, 2%; 13 homozygotes.

Submissions (5):

Labcorp Genetics (formerly Invitae), Labcorp
Classification: Benign. Last evaluated: 2026-02-01. Review status: criteria provided, single submitter. Criteria: Invitae Variant Classification Sherloc (09022015). Collection method: clinical testing. Allele origin: germline.

Women's Health and Genetics/Laboratory Corporation of America, LabCorp
Classification: Benign. Last evaluated: 2025-11-24. Review status: criteria provided, single submitter. Criteria: LabCorp Variant Classification Summary - May 2015. Collection method: clinical testing. Allele origin: germline.
Comment: Variant summary: EYS c.7056-15T>A alters a nucleotide located at a position not widely known to affect splicing. Several computational tools predict a significant impact on normal splicing: Two predict the variant no significant impact on splicing. Two predict the variant weakens a 3' acceptor site. However, these predictions have yet to be confirmed by functional studies. The variant allele was found at a frequency of 0.0019 in 153800 control chromosomes, predominantly at a frequency of 0.027 within the East Asian subpopulation in the gnomAD database, including 7 homozygotes. The observed variant frequency within East Asian control individuals in the gnomAD database exceeds the estimated maximal expected allele frequency for disease-causing variants in EYS. ClinVar contains an entry for this variant (Variation ID: 357694). Based on the evidence outlined above, the variant was classified as benign.

Illumina Laboratory Services, Illumina
Classification: Uncertain significance for Retinitis pigmentosa. Last evaluated: 2018-01-12. Review status: criteria provided, single submitter. Criteria: ICSL Variant Classification Criteria 13 December 2019. Collection method: clinical testing. Allele origin: germline.

Dr. Peter K. Rogan Lab, Western University
No classification provided (evidence only). Condition: Hepatocellular carcinoma. Review status: no classification provided. Collection method: in vitro. Allele origin: not applicable. Functional consequence: retained intron. Not counted in ClinVar's aggregate classification.

Dr. Peter K. Rogan Lab, Western University
No classification provided (evidence only). Condition: Hepatocellular carcinoma. Review status: no classification provided. Collection method: in vitro. Allele origin: not applicable. Functional consequence: retained intron. Not counted in ClinVar's aggregate classification.

NM_001142800.2(EYS):c.7056-15T>A

Gene: EYS (EGF-like photoreceptor maintenance factor; minus strand). Cytogenetic location: 6q12.
Variant type: single nucleotide variant.
Coding change: c.7056-15T>A on transcript NM_001142800.2 (MANE Select); 15 bases into the intron before coding-DNA position 7056, T replaced by A.
Molecular consequence: intron variant.
Genome position (GRCh38, 1-based): chr6:63,864,373, A>T on the plus strand (T>A on the coding strand, the complement: EYS is on the minus strand). VCF-style: chr6-63864373-A-T. GRCh37 (hg19) VCF-style: chr6-64574266-A-T.
Other names: c.7056-15T>A (NM_001292009.2).
Identifiers: ClinVar variation 357694 (VCV000357694.15), dbSNP rs139056492, ClinGen allele CA3876845.